The following is an entry in ClinVar:

NM_030777.4(SLC2A10):c.658G>T (p.Asp220Tyr)

Gene: SLC2A10 (solute carrier family 2 member 10; plus strand). Cytogenetic location: 20q13.12.
Variant type: single nucleotide variant.
Coding change: c.658G>T on transcript NM_030777.4 (MANE Select); coding-DNA position 658, G replaced by T.
Protein change: p.Asp220Tyr; replaces aspartic acid 220 with tyrosine.
Molecular consequence: missense variant.
Genome position (GRCh38, 1-based): chr20:46,725,694, G>T. VCF-style: chr20-46725694-G-T. GRCh37 (hg19) VCF-style: chr20-45354333-G-T.
Other names: short protein forms D220Y.
Identifiers: ClinVar variation 3375567 (VCV003375567.1).

ClinVar aggregate classification (germline): Uncertain significance (1 of 4 stars; one submission).

gnomAD v4.1: 4 of 1,613,942 alleles (0.00025%); highest among the groups gnomAD compares: Non-Finnish European, 0.00034%; no homozygotes.

Submission:

GeneDx
Classification: Uncertain significance. Last evaluated: 2024-05-08. Review status: criteria provided, single submitter. Criteria: GeneDx Variant Classification Process June 2021. Collection method: clinical testing. Allele origin: germline. Affected: yes.
Comment: Not observed at significant frequency in large population cohorts (gnomAD); In silico analysis supports that this missense variant has a deleterious effect on protein structure/function; Has not been previously published as pathogenic or benign to our knowledge